The following is an entry in ClinVar:

ClinVar aggregate classification (germline): Conflicting classifications of pathogenicity. Review status: criteria provided, conflicting classifications (1 of 4 stars). 2 submissions from 2 submitters: Likely pathogenic (1); Uncertain significance (1). Last evaluated 2025-09-05.

Conditions:
Charcot-Marie-Tooth disease type 2. Also called: Charcot-Marie-Tooth type 2. Identifiers: Orphanet 64746, MedGen C0270914, MONDO:0018993.
Congenital muscular dystrophy due to LMNA mutation. Also called: Congenital muscular dystrophy, LMNA-related; Lamin A-related Congenital Muscular Dystrophy. Identifiers: Orphanet 157973, MedGen C2750785, MONDO:0013178, OMIM 613205.

Submissions (2):

Labcorp Genetics (formerly Invitae), Labcorp
Classification: Uncertain significance for Charcot-Marie-Tooth disease type 2. Last evaluated: 2025-09-05. Review status: criteria provided, single submitter. Criteria: Invitae Variant Classification Sherloc (09022015). Collection method: clinical testing. Allele origin: germline.
Comment: This sequence change replaces proline, which is neutral and non-polar, with leucine, which is neutral and non-polar, at codon 20 of the LMNA protein (p.Pro20Leu). This variant is not present in population databases (gnomAD no frequency). This missense change has been observed in individual(s) with clinical features of LMNA-related conditions (PMID: 29237675). ClinVar contains an entry for this variant (Variation ID: 523026). Invitae Evidence Modeling of protein sequence and biophysical properties (such as structural, functional, and spatial information, amino acid conservation, physicochemical variation, residue mobility, and thermodynamic stability) indicates that this missense variant is expected to disrupt LMNA protein function with a positive predictive value of 95%. In summary, the available evidence is currently insufficient to determine the role of this variant in disease. Therefore, it has been classified as a Variant of Uncertain Significance.

Genomic Research Center, Shahid Beheshti University of Medical Sciences
Classification: Likely pathogenic for Congenital muscular dystrophy due to LMNA mutation. Last evaluated: 2017-12-18. Review status: criteria provided, single submitter. Criteria: ACMG Guidelines, 2015. Collection method: clinical testing. Allele origin: inherited. Affected: yes.

Literature cited by the submitters: PubMed 29237675 (cited by Labcorp Genetics (formerly Invitae), Labcorp).

NM_170707.4(LMNA):c.59C>T (p.Pro20Leu)

Genes: LMNA (lamin A/C; plus strand), LOC129931597 (ATAC-STARR-seq lymphoblastoid silent region 1421; plus strand). Cytogenetic location: 1q22.
Variant type: single nucleotide variant.
Coding change: c.59C>T on transcript NM_170707.4 (MANE Select); coding-DNA position 59, C replaced by T.
Protein change: p.Pro20Leu; replaces proline 20 with leucine.
Molecular consequence: missense variant.
Genome position (GRCh38, 1-based): chr1:156,114,977, C>T. VCF-style: chr1-156114977-C-T. GRCh37 (hg19) VCF-style: chr1-156084768-C-T.
Other names: c.59C>T, p.Pro20Leu (NM_001282625.2, NM_001282626.2, NM_005572.4 and 1 more transcripts); short protein forms P20L.
Identifiers: ClinVar variation 523026 (VCV000523026.8), dbSNP rs1553261858, ClinGen allele CA342807133.
Genomic context (GRCh38, chr1:156,114,977, plus strand): 5'-CCATGGAGACCCCGTCCCAGCGGCGCGCCACCCGCAGCGGGGCGCAGGCCAGCTCCACTC[C>T]GCTGTCGCCCACCCGCATCACCCGGCTGCAGGAGAAGGAGGACCTGCAGGAGCTCAATGA-3'
Protein context (NP_733821.1, residues 10-30): TRSGAQASST[Pro20Leu]LSPTRITRLQ